The following is an entry in ClinVar:

ClinVar aggregate classification (germline): Likely pathogenic (1 of 4 stars; one submission).

Conditions:
Bethlem myopathy 1A. Also called: Bethlem myopathy 1; MYOPATHY, BENIGN CONGENITAL, WITH CONTRACTURES; Bethlem Muscular Dystrophy. Identifiers: Orphanet 610, MedGen CN029274, MONDO:0024530, OMIM 158810.

Submission:

Labcorp Genetics (formerly Invitae), Labcorp
Classification: Likely pathogenic for Bethlem myopathy 1A. Last evaluated: 2025-10-02. Review status: criteria provided, single submitter. Criteria: Invitae Variant Classification Sherloc (09022015). Collection method: clinical testing. Allele origin: germline.
Comment: This sequence change affects an acceptor splice site in intron 29 of the COL6A1 gene. It is expected to disrupt RNA splicing. Variants that disrupt the donor or acceptor splice site typically lead to a loss of protein function (PMID: 16199547), and loss-of-function variants in COL6A1 are known to be pathogenic (PMID: 19884007, 20976770). This variant is not present in population databases (gnomAD no frequency). This variant has not been reported in the literature in individuals affected with COL6A1-related conditions. ClinVar contains an entry for this variant (Variation ID: 568705). Algorithms developed to predict the effect of sequence changes on RNA splicing suggest that this variant may disrupt the consensus splice site. In summary, the currently available evidence indicates that the variant is pathogenic, but additional data are needed to prove that conclusively. Therefore, this variant has been classified as Likely Pathogenic.

Literature cited by the submitters: PubMed 16199547; PubMed 19884007; PubMed 20976770.

NM_001848.3(COL6A1):c.1823-1G>T

Gene: COL6A1 (collagen type VI alpha 1 chain; plus strand). Cytogenetic location: 21q22.3.
Variant type: single nucleotide variant.
Coding change: c.1823-1G>T on transcript NM_001848.3 (MANE Select); the canonical splice acceptor site of the intron before coding-DNA position 1823, G replaced by T.
Molecular consequence: splice acceptor variant.
Genome position (GRCh38, 1-based): chr21:46,001,252, G>T. VCF-style: chr21-46001252-G-T. GRCh37 (hg19) VCF-style: chr21-47421166-G-T.
Identifiers: ClinVar variation 568705 (VCV000568705.10), dbSNP rs1569519030, ClinGen allele CA410532902.